The following is an entry in ClinVar:

ClinVar aggregate classification (germline): Uncertain significance (1 of 4 stars; one submission).

Conditions:
Progressive sclerosing poliodystrophy (MTDPS4A). Also called: Mitochondrial DNA depletion syndrome 4A (Alpers type); ALPERS PROGRESSIVE INFANTILE POLIODYSTROPHY; NEURONAL DEGENERATION OF CHILDHOOD WITH LIVER DISEASE, PROGRESSIVE; Alpers Syndrome; ALPERS DIFFUSE DEGENERATION OF CEREBRAL GRAY MATTER WITH HEPATIC CIRRHOSIS; Alpers-Huttenlocher Syndrome. Identifiers: Orphanet 726, MedGen C0205710, MONDO:0008758, OMIM 203700.

Submission:

Labcorp Genetics (formerly Invitae), Labcorp
Classification: Uncertain significance for Progressive sclerosing poliodystrophy. Last evaluated: 2024-08-05. Review status: criteria provided, single submitter. Criteria: Invitae Variant Classification Sherloc (09022015). Collection method: clinical testing. Allele origin: germline.
Comment: This sequence change replaces phenylalanine, which is neutral and non-polar, with serine, which is neutral and polar, at codon 800 of the POLG protein (p.Phe800Ser). This variant is not present in population databases (gnomAD no frequency). This variant has not been reported in the literature in individuals affected with POLG-related conditions. Advanced modeling of protein sequence and biophysical properties (such as structural, functional, and spatial information, amino acid conservation, physicochemical variation, residue mobility, and thermodynamic stability) performed at Invitae indicates that this missense variant is expected to disrupt POLG protein function with a positive predictive value of 95%. In summary, the available evidence is currently insufficient to determine the role of this variant in disease. Therefore, it has been classified as a Variant of Uncertain Significance.

NM_002693.3(POLG):c.2399T>C (p.Phe800Ser)

Gene: POLG (DNA polymerase gamma, catalytic subunit; minus strand). Cytogenetic location: 15q26.1.
Variant type: single nucleotide variant.
Coding change: c.2399T>C on transcript NM_002693.3 (MANE Select); coding-DNA position 2399, T replaced by C.
Protein change: p.Phe800Ser; replaces phenylalanine 800 with serine.
Molecular consequence: missense variant.
Genome position (GRCh38, 1-based): chr15:89,322,769, A>G on the plus strand (T>C on the coding strand, the complement: POLG is on the minus strand). VCF-style: chr15-89322769-A-G. GRCh37 (hg19) VCF-style: chr15-89866000-A-G.
Other names: c.2399T>C, p.Phe800Ser (NM_001126131.2); short protein forms F800S.
Identifiers: ClinVar variation 2858845 (VCV002858845.3), dbSNP rs2055414815, ClinGen allele CA393756301.